The following is an entry in ClinVar:

NM_001329556.3(REEP6):c.557C>T (p.Pro186Leu)

Gene: REEP6 (receptor accessory protein 6; plus strand). Cytogenetic location: 19p13.3.
Variant type: single nucleotide variant.
Coding change: c.557C>T on transcript NM_001329556.3 (MANE Plus Clinical); coding-DNA position 557, C replaced by T.
Protein change: p.Pro186Leu; replaces proline 186 with leucine.
Molecular consequence: missense variant. On other transcripts: intron variant (1).
Genome position (GRCh38, 1-based): chr19:1,496,630, C>T. VCF-style: chr19-1496630-C-T. GRCh37 (hg19) VCF-style: chr19-1496629-C-T.
Other names: c.517+177C>T (NM_138393.4); short protein forms P186L.
Identifiers: ClinVar variation 1055640 (VCV001055640.9), dbSNP rs770429286, ClinGen allele CA9047645.

ClinVar aggregate classification (germline): Uncertain significance. Review status: criteria provided, single submitter (1 of 4 stars). 2 submissions from 2 submitters: Uncertain significance (1). 1 of the submissions does not count toward it. Last evaluated 2025-03-07.

Conditions:
Retinal dystrophy. Also called: Inherited retinal dystrophy. Identifiers: Orphanet 71862, MedGen C0854723, MeSH D058499, MONDO:0019118, HP:0000556.

Allele frequency attached by ClinVar (database versions not stated): 1000 Genomes Project 30x 0.00016; ExAC 0.00019.
gnomAD v4.1: 43 of 865,528 alleles (0.005%); highest among the groups gnomAD compares: Middle Eastern, 0.043%; no homozygotes.

Submissions (2):

Labcorp Genetics (formerly Invitae), Labcorp
Classification: Uncertain significance. Last evaluated: 2025-03-07. Review status: criteria provided, single submitter. Criteria: Invitae Variant Classification Sherloc (09022015). Collection method: clinical testing. Allele origin: germline.
Comment: This sequence change replaces proline, which is neutral and non-polar, with leucine, which is neutral and non-polar, at codon 186 of the REEP6 protein (p.Pro186Leu). This variant is present in population databases (rs770429286, gnomAD 0.03%). This variant has not been reported in the literature in individuals affected with REEP6-related conditions. ClinVar contains an entry for this variant (Variation ID: 1055640). Experimental studies and prediction algorithms are not available or were not evaluated, and the functional significance of this variant is currently unknown. In summary, the available evidence is currently insufficient to determine the role of this variant in disease. Therefore, it has been classified as a Variant of Uncertain Significance.

Institute of Human Genetics, Univ. Regensburg, Univ. Regensburg
Classification: Uncertain significance for Retinal dystrophy. Last evaluated: 2022-01-01. Review status: no assertion criteria provided. Criteria: ACMG Guidelines, 2015. Collection method: clinical testing. Allele origin: germline. Affected: yes. Not counted in ClinVar's aggregate classification.